The following is an entry in ClinVar:

NM_006947.4(SRP72):c.379G>C (p.Glu127Gln)

Gene: SRP72 (signal recognition particle 72; plus strand). Cytogenetic location: 4q12.
Variant type: single nucleotide variant.
Coding change: c.379G>C on transcript NM_006947.4 (MANE Select); coding-DNA position 379, G replaced by C.
Protein change: p.Glu127Gln; replaces glutamic acid 127 with glutamine.
Molecular consequence: missense variant. On other transcripts: non-coding transcript variant (1).
Genome position (GRCh38, 1-based): chr4:56,474,078, G>C. VCF-style: chr4-56474078-G-C. GRCh37 (hg19) VCF-style: chr4-57340244-G-C.
Other names: c.379G>C, p.Glu127Gln (NM_001267722.2); short protein forms E127Q.
Identifiers: ClinVar variation 3801498 (VCV003801498.1).

ClinVar aggregate classification (germline): Uncertain significance (1 of 4 stars; one submission).

gnomAD v4.1: 1 of 1,613,916 alleles (0.000062%); highest among the groups gnomAD compares: Non-Finnish European, 0.000085%; no homozygotes.

Submission:

Ambry Genetics
Classification: Uncertain significance. Last evaluated: 2025-02-20. Review status: criteria provided, single submitter. Criteria: Ambry Variant Classification Scheme 2023. Collection method: clinical testing. Allele origin: germline.
Comment: The p.E127Q variant (also known as c.379G>C), located in coding exon 4 of the SRP72 gene, results from a G to C substitution at nucleotide position 379. The glutamic acid at codon 127 is replaced by glutamine, an amino acid with highly similar properties. This amino acid position is conserved. In addition, this alteration is predicted to be tolerated by in silico analysis. Based on the available evidence, the clinical significance of this variant remains unclear.